The following is an entry in ClinVar:

NM_001999.4(FBN2):c.5249A>T (p.Glu1750Val)

Gene: FBN2 (fibrillin 2; minus strand). Cytogenetic location: 5q23.3.
Variant type: single nucleotide variant.
Coding change: c.5249A>T on transcript NM_001999.4 (MANE Select); coding-DNA position 5249, A replaced by T.
Protein change: p.Glu1750Val; replaces glutamic acid 1750 with valine.
Molecular consequence: missense variant.
Genome position (GRCh38, 1-based): chr5:128,309,351, T>A on the plus strand (A>T on the coding strand, the complement: FBN2 is on the minus strand). VCF-style: chr5-128309351-T-A. GRCh37 (hg19) VCF-style: chr5-127645043-T-A.
Other names: short protein forms E1750V.
Identifiers: ClinVar variation 4871251 (VCV004871251.1).

ClinVar aggregate classification (germline): Uncertain significance (1 of 4 stars; one submission).

Conditions:
Familial thoracic aortic aneurysm and aortic dissection (TAAD). Also called: Thoracic aortic aneurysms and dissections. Identifiers: Orphanet 91387, MedGen C4707243, MONDO:0019625.

Submission:

Ambry Genetics
Classification: Uncertain significance for Familial thoracic aortic aneurysm and aortic dissection. Last evaluated: 2026-04-14. Review status: criteria provided, single submitter. Criteria: Ambry Variant Classification Scheme 2023. Collection method: clinical testing. Allele origin: germline.
Comment: The p.E1750V variant (also known as c.5249A>T), located in coding exon 41 of the FBN2 gene, results from an A to T substitution at nucleotide position 5249. The glutamic acid at codon 1750 is replaced by valine, an amino acid with dissimilar properties. This amino acid position is conserved. In addition, the in silico prediction for this alteration is inconclusive. Based on the available evidence, the clinical significance of this variant remains unclear.